The following is an entry in ClinVar:

NM_002860.4(ALDH18A1):c.2107G>T (p.Asp703Tyr)

Gene: ALDH18A1 (aldehyde dehydrogenase 18 family member A1; minus strand). Cytogenetic location: 10q24.1.
Variant type: single nucleotide variant.
Coding change: c.2107G>T on transcript NM_002860.4 (MANE Select); coding-DNA position 2107, G replaced by T.
Protein change: p.Asp703Tyr; replaces aspartic acid 703 with tyrosine.
Molecular consequence: missense variant.
Genome position (GRCh38, 1-based): chr10:95,611,259, C>A on the plus strand (G>T on the coding strand, the complement: ALDH18A1 is on the minus strand). VCF-style: chr10-95611259-C-A. GRCh37 (hg19) VCF-style: chr10-97371016-C-A.
Other names: c.2101G>T, p.Asp701Tyr (NM_001017423.2, NM_001323415.2); c.1774G>T, p.Asp592Tyr (NM_001323412.2, NM_001323416.2); c.2107G>T, p.Asp703Tyr (NM_001323413.2, NM_001323414.2); c.2002G>T, p.Asp668Tyr (NM_001323417.2); c.1768G>T, p.Asp590Tyr (NM_001323418.2); c.1471G>T, p.Asp491Tyr (NM_001323419.2); short protein forms D590Y, D592Y, D701Y, D703Y, D668Y, D491Y.
Identifiers: ClinVar variation 4788388 (VCV004788388.1).

ClinVar aggregate classification (germline): Uncertain significance (1 of 4 stars; one submission).

Conditions:
Cutis laxa, autosomal dominant 3 (ADCL3). Identifiers: Orphanet 90348, MedGen C4225268, MONDO:0014706, OMIM 616603.
Autosomal dominant spastic paraplegia type 9. Identifiers: MedGen C1832669, MONDO:0015091.
de Barsy syndrome. Also called: Cutis laxa-corneal clouding-oligophrenia syndrome. Identifiers: Orphanet 2962, MedGen C0268354, MONDO:0017569.

gnomAD v4.1: 5 of 1,613,938 alleles (0.00031%); highest among the groups gnomAD compares: Non-Finnish European, 0.00042%; no homozygotes.

Submission:

Labcorp Genetics (formerly Invitae), Labcorp
Classification: Uncertain significance for Autosomal dominant spastic paraplegia type 9; de Barsy syndrome; Cutis laxa, autosomal dominant 3. Last evaluated: 2026-01-19. Review status: criteria provided, single submitter. Criteria: Invitae Variant Classification Sherloc (09022015). Collection method: clinical testing. Allele origin: germline.
Comment: This sequence change replaces aspartic acid, which is acidic and polar, with tyrosine, which is neutral and polar, at codon 703 of the ALDH18A1 protein (p.Asp703Tyr). This variant is not present in population databases (gnomAD no frequency). This variant has not been reported in the literature in individuals affected with ALDH18A1-related conditions. Invitae Evidence Modeling of protein sequence and biophysical properties (such as structural, functional, and spatial information, amino acid conservation, physicochemical variation, residue mobility, and thermodynamic stability) has been performed for this missense variant. However, the output from this modeling did not meet the statistical confidence thresholds required to predict the impact of this variant on ALDH18A1 protein function. In summary, the available evidence is currently insufficient to determine the role of this variant in disease. Therefore, it has been classified as a Variant of Uncertain Significance.